The following is an entry in ClinVar:

ClinVar aggregate classification (germline): Benign/Likely benign. Review status: criteria provided, multiple submitters, no conflicts (2 of 4 stars). 6 submissions from 6 submitters: Benign (2); Likely benign (4). Last evaluated 2026-07-01.

Conditions:
Primary ciliary dyskinesia. Also called: Ciliary dyskinesia. Identifiers: Orphanet 244, MedGen C0008780, MONDO:0016575, HP:0012265.

Allele frequency attached by ClinVar (database versions not stated): gnomAD 0.00336 and 0.00334; 1000 Genomes Project 30x 0.00250; 1000 Genomes Project 0.00260; TOPMed 0.00357; ESP Exome Variant Server 0.00378; gnomAD exomes 0.00451; ExAC 0.00609.
gnomAD v4.1: 7,076 of 1,588,502 alleles (0.45%); highest among the groups gnomAD compares: Middle Eastern, 3%; 36 homozygotes.

Submissions (6):

CeGaT Center for Human Genetics Tuebingen
Classification: Likely benign. Last evaluated: 2026-07-01. Review status: criteria provided, single submitter. Criteria: CeGaT Center For Human Genetics Tuebingen Variant Classification Criteria Version 2. Collection method: clinical testing. Allele origin: germline. Affected: yes. Observed: 3 variant alleles.
Comment: CCNO: BP4, BP7, BS2

Labcorp Genetics (formerly Invitae), Labcorp
Classification: Benign for Primary ciliary dyskinesia. Last evaluated: 2026-01-22. Review status: criteria provided, single submitter. Criteria: Invitae Variant Classification Sherloc (09022015). Collection method: clinical testing. Allele origin: germline.

Mayo Clinic Laboratories, Mayo Clinic
Classification: Benign. Last evaluated: 2025-01-20. Review status: criteria provided, single submitter. Criteria: ACMG Guidelines, 2015. Collection method: clinical testing. Allele origin: germline. Observed: 5 variant alleles.
Comment: BS1, BS2, BP4, BP7

Blueprint Genetics
Classification: Likely benign. Last evaluated: 2024-11-25. Review status: criteria provided, single submitter. Criteria: ACMG Guidelines, 2015. Collection method: clinical testing. Allele origin: germline.

GeneDx
Classification: Likely benign. Last evaluated: 2021-01-20. Review status: criteria provided, single submitter. Criteria: GeneDx Variant Classification Process June 2021. Collection method: clinical testing. Allele origin: germline. Affected: yes.

Breakthrough Genomics
Classification: Likely benign. Review status: criteria provided, single submitter. Criteria: ACMG Guidelines, 2015. Collection method: not provided. Allele origin: germline. Inheritance: Autosomal recessive inheritance. Affected: yes.

NM_021147.5(CCNO):c.780C>T (p.Ala260=)

Gene: CCNO (cyclin O; minus strand). Cytogenetic location: 5q11.2.
Variant type: single nucleotide variant.
Coding change: c.780C>T on transcript NM_021147.5 (MANE Select); coding-DNA position 780, C replaced by T.
Protein change: p.Ala260=; no amino-acid change (alanine 260 retained).
Molecular consequence: synonymous variant. On other transcripts: non-coding transcript variant (3).
Genome position (GRCh38, 1-based): chr5:55,231,648, G>A on the plus strand (C>T on the coding strand, the complement: CCNO is on the minus strand). VCF-style: chr5-55231648-G-A. GRCh37 (hg19) VCF-style: chr5-54527476-G-A.
Other names: p.Ala260=.
Identifiers: ClinVar variation 241374 (VCV000241374.42), dbSNP rs139167004, ClinGen allele CA3266686.